The following is an entry in ClinVar:

NM_139321.3(ATRN):c.2719G>A (p.Ala907Thr)

Gene: ATRN (attractin; plus strand). Cytogenetic location: 20p13.
Variant type: single nucleotide variant.
Coding change: c.2719G>A on transcript NM_139321.3 (MANE Select); coding-DNA position 2719, G replaced by A.
Protein change: p.Ala907Thr; replaces alanine 907 with threonine.
Molecular consequence: missense variant.
Genome position (GRCh38, 1-based): chr20:3,582,309, G>A. VCF-style: chr20-3582309-G-A. GRCh37 (hg19) VCF-style: chr20-3562956-G-A.
Other names: c.2371G>A, p.Ala791Thr (NM_001207047.3); c.2719G>A, p.Ala907Thr (NM_001323332.2, NM_139322.4); short protein forms A907T, A791T.
Identifiers: ClinVar variation 3696267 (VCV003696267.2).
Genomic context (GRCh38, chr20:3,582,309, plus strand): 5'-CCCAGTGATGCTGGATTCTGTGGAATTTTATCAGAACCCAGTACTCGGGGACTGAAGGCT[G>A]CAACCTGCATCAACCCACTCAATGGTAGTGTCTGTGAAAGGCCTGGTAAGTTCACAGGTG-3'
Protein context (NP_647537.1, residues 897-917): SEPSTRGLKA[Ala907Thr]TCINPLNGSV

ClinVar aggregate classification (germline): Uncertain significance (1 of 4 stars; one submission).

gnomAD v4.1: 6 of 1,612,330 alleles (0.00037%); highest among the groups gnomAD compares: Non-Finnish European, 0.00051%; no homozygotes.

Submission:

Labcorp Genetics (formerly Invitae), Labcorp
Classification: Uncertain significance. Last evaluated: 2024-12-02. Review status: criteria provided, single submitter. Criteria: Invitae Variant Classification Sherloc (09022015). Collection method: clinical testing. Allele origin: germline.
Comment: This sequence change replaces alanine, which is neutral and non-polar, with threonine, which is neutral and polar, at codon 907 of the ATRN protein (p.Ala907Thr). This variant is present in population databases (no rsID available, gnomAD 0.03%). This variant has not been reported in the literature in individuals affected with ATRN-related conditions. An algorithm developed to predict the effect of missense changes on protein structure and function (PolyPhen-2) suggests that this variant is likely to be tolerated. In summary, the available evidence is currently insufficient to determine the role of this variant in disease. Therefore, it has been classified as a Variant of Uncertain Significance.